The following is an entry in ClinVar:

ClinVar aggregate classification (germline): Uncertain significance. Review status: criteria provided, multiple submitters, no conflicts (2 of 4 stars). 2 submissions from 2 submitters: Uncertain significance (2). Last evaluated 2025-09-06.

Submissions (2):

Labcorp Genetics (formerly Invitae), Labcorp
Classification: Uncertain significance. Last evaluated: 2025-09-06. Review status: criteria provided, single submitter. Criteria: Invitae Variant Classification Sherloc (09022015). Collection method: clinical testing. Allele origin: germline.
Comment: This sequence change replaces arginine, which is basic and polar, with tryptophan, which is neutral and slightly polar, at codon 359 of the TUBB4B protein (p.Arg359Trp). This variant is not present in population databases (gnomAD no frequency). This variant has not been reported in the literature in individuals affected with TUBB4B-related conditions. ClinVar contains an entry for this variant (Variation ID: 3343754). Invitae Evidence Modeling of protein sequence and biophysical properties (such as structural, functional, and spatial information, amino acid conservation, physicochemical variation, residue mobility, and thermodynamic stability) indicates that this missense variant is expected to disrupt TUBB4B protein function with a positive predictive value of 80%. In summary, the available evidence is currently insufficient to determine the role of this variant in disease. Therefore, it has been classified as a Variant of Uncertain Significance.

GeneDx
Classification: Uncertain significance. Last evaluated: 2023-05-19. Review status: criteria provided, single submitter. Criteria: GeneDx Variant Classification Process June 2021. Collection method: clinical testing. Allele origin: germline. Affected: yes.
Comment: Not observed at significant frequency in large population cohorts (gnomAD); In silico analysis supports that this missense variant has a deleterious effect on protein structure/function; Has not been previously published as pathogenic or benign to our knowledge

NM_006088.6(TUBB4B):c.1075C>T (p.Arg359Trp)

Gene: TUBB4B (tubulin beta 4B class IVb; plus strand). Cytogenetic location: 9q34.3.
Variant type: single nucleotide variant.
Coding change: c.1075C>T on transcript NM_006088.6 (MANE Select); coding-DNA position 1075, C replaced by T.
Protein change: p.Arg359Trp; replaces arginine 359 with tryptophan.
Molecular consequence: missense variant.
Genome position (GRCh38, 1-based): chr9:137,243,293, C>T. VCF-style: chr9-137243293-C-T. GRCh37 (hg19) VCF-style: chr9-140137745-C-T.
Other names: short protein forms R359W.
Identifiers: ClinVar variation 3343754 (VCV003343754.2).